The following is an entry in ClinVar:

NM_024757.5(EHMT1):c.3715G>A (p.Gly1239Arg)

Gene: EHMT1 (euchromatic histone lysine methyltransferase 1; plus strand). Cytogenetic location: 9q34.3.
Variant type: single nucleotide variant.
Coding change: c.3715G>A on transcript NM_024757.5 (MANE Select); coding-DNA position 3715, G replaced by A.
Protein change: p.Gly1239Arg; replaces glycine 1239 with arginine.
Molecular consequence: missense variant.
Genome position (GRCh38, 1-based): chr9:137,834,523, G>A. VCF-style: chr9-137834523-G-A. GRCh37 (hg19) VCF-style: chr9-140728975-G-A.
Other names: c.3715G>A (NM_024757.4); c.3694G>A, p.Gly1232Arg (NM_001354263.2); short protein forms G1239R, G1232R.
Identifiers: ClinVar variation 1040213 (VCV001040213.10), dbSNP rs753648181, ClinGen allele CA5375426.

ClinVar aggregate classification (germline): Uncertain significance. Review status: criteria provided, multiple submitters, no conflicts (2 of 4 stars). 2 submissions from 2 submitters: Uncertain significance (2). Last evaluated 2025-09-19.

Conditions:
Inborn genetic diseases. Identifiers: MedGen C0950123, MeSH D030342.
Kleefstra syndrome 1 (KLEFS1). Identifiers: Orphanet 261494, MedGen C0795833, MONDO:0027407, OMIM 610253.

Allele frequency attached by ClinVar (database versions not stated): gnomAD exomes below 0.00001; ExAC 0.00001.
gnomAD v4.1: 9 of 1,610,220 alleles (0.00056%); highest among the groups gnomAD compares: Middle Eastern, 0.017%; no homozygotes.

Submissions (2):

Ambry Genetics
Classification: Uncertain significance for Inborn genetic diseases. Last evaluated: 2025-09-19. Review status: criteria provided, single submitter. Criteria: Ambry Variant Classification Scheme 2023. Collection method: clinical testing. Allele origin: germline.

Labcorp Genetics (formerly Invitae), Labcorp
Classification: Uncertain significance for Kleefstra syndrome 1. Last evaluated: 2020-07-09. Review status: criteria provided, single submitter. Criteria: Invitae Variant Classification Sherloc (09022015). Collection method: clinical testing. Allele origin: germline.
Comment: In summary, the available evidence is currently insufficient to determine the role of this variant in disease. Therefore, it has been classified as a Variant of Uncertain Significance. Algorithms developed to predict the effect of missense changes on protein structure and function are either unavailable or do not agree on the potential impact of this missense change (SIFT: "Deleterious"; PolyPhen-2: "Probably Damaging"; Align-GVGD: "Class C15"). This variant has not been reported in the literature in individuals with EHMT1-related conditions. This variant is present in population databases (rs753648181, ExAC 0.002%). This sequence change replaces glycine with arginine at codon 1239 of the EHMT1 protein (p.Gly1239Arg). The glycine residue is highly conserved and there is a moderate physicochemical difference between glycine and arginine.